The following is an entry in ClinVar:

NM_005411.5(SFTPA1):c.646C>G (p.Pro216Ala)

Gene: SFTPA1 (surfactant protein A1; plus strand). Cytogenetic location: 10q22.3.
Variant type: single nucleotide variant.
Coding change: c.646C>G on transcript NM_005411.5 (MANE Select); coding-DNA position 646, C replaced by G.
Protein change: p.Pro216Ala; replaces proline 216 with alanine.
Molecular consequence: missense variant.
Genome position (GRCh38, 1-based): chr10:79,614,012, C>G. VCF-style: chr10-79614012-C-G. GRCh37 (hg19) VCF-style: chr10-81373768-C-G.
Other names: c.691C>G, p.Pro231Ala (NM_001093770.3); c.646C>G, p.Pro216Ala (NM_001164644.2, NM_001164647.1); c.544C>G, p.Pro182Ala (NM_001164645.2); c.499C>G, p.Pro167Ala (NM_001164646.2); short protein forms P216A, P231A, P167A, P182A.
Identifiers: ClinVar variation 229245 (VCV000229245.5), dbSNP rs876657998, ClinGen allele CA10576825.
Genomic context (GRCh38, chr10:79,614,012, plus strand): 5'-GGAGACTTCCGCTACTCAGACGGGACCCCTGTAAACTACACCAACTGGTACCGAGGGGAG[C>G]CCGCAGGTCGGGGAAAAGAGCAGTGTGTGGAGATGTACACAGATGGGCAGTGGAATGACA-3'
Protein context (NP_005402.3, residues 206-226): VNYTNWYRGE[Pro216Ala]AGRGKEQCVE

ClinVar aggregate classification (germline): Uncertain significance (1 of 4 stars; one submission).

Allele frequency attached by ClinVar (database versions not stated): gnomAD exomes below 0.00001.
gnomAD v4.1: 1 of 1,614,226 alleles (0.000062%); highest among the groups gnomAD compares: Non-Finnish European, 0.000085%; no homozygotes.

Submission:

Laboratory for Molecular Medicine, Mass General Brigham Personalized Medicine
Classification: Uncertain significance. Last evaluated: 2015-09-02. Review status: criteria provided, single submitter. Criteria: LMM Criteria. Collection method: clinical testing. Allele origin: germline. Observed: 1 variant allele.
Comment: The p.Pro231Ala variant in SFTPA1 has not been previously reported in individual s with pulmonary disease or in large population studies. Computational predictio n tools and conservation analysis suggest that the p.Pro231Ala variant may impac t the protein, though this information is not predictive enough to determine pat hogenicity. In summary, the clinical significance of the p.Pro231Ala variant is uncertain.